The following is an entry in ClinVar:

NM_003542.4(H4C3):c.260T>C (p.Val87Ala)

Gene: H4C3 (H4 clustered histone 3; plus strand). Cytogenetic location: 6p22.2.
Variant type: single nucleotide variant.
Coding change: c.260T>C on transcript NM_003542.4 (MANE Select); coding-DNA position 260, T replaced by C.
Protein change: p.Val87Ala; replaces valine 87 with alanine.
Molecular consequence: missense variant.
Genome position (GRCh38, 1-based): chr6:26,104,207, T>C. VCF-style: chr6-26104207-T-C. GRCh37 (hg19) VCF-style: chr6-26104435-T-C.
Other names: short protein forms V87A.
Identifiers: ClinVar variation 3026533 (VCV003026533.22), dbSNP rs1402613153, ClinGen allele CA363181720.
Genomic context (GRCh38, chr6:26,104,207, plus strand): 5'-TTCGAGACGCCGTCACCTATACGGAGCACGCCAAGCGCAAAACTGTCACAGCCATGGATG[T>C]AGTATATGCCCTAAAACGTCAGGGGCGCACTCTGTATGGCTTCGGCGGCTGAATCTAAGA-3'
Protein context (NP_003533.1, residues 77-97): AKRKTVTAMD[Val87Ala]VYALKRQGRT

ClinVar aggregate classification (germline): Uncertain significance (1 of 4 stars; one submission).

Allele frequency attached by ClinVar (database versions not stated): gnomAD exomes below 0.00001.
gnomAD v4.1: 1 of 1,614,010 alleles (0.000062%); highest among the groups gnomAD compares: East Asian, 0.0022%; no homozygotes.

Submission:

CeGaT Center for Human Genetics Tuebingen
Classification: Uncertain significance. Last evaluated: 2024-01-01. Review status: criteria provided, single submitter. Criteria: CeGaT Center For Human Genetics Tuebingen Variant Classification Criteria Version 2. Collection method: clinical testing. Allele origin: germline. Affected: yes. Observed: 1 variant allele.
Comment: H4C3: PM2